The following is an entry in ClinVar:

ClinVar aggregate classification (germline): Benign/Likely benign. Review status: criteria provided, multiple submitters, no conflicts (2 of 4 stars). 8 submissions from 8 submitters: Benign (2); Likely benign (6). Last evaluated 2026-01-26.

Conditions:
Hereditary cancer-predisposing syndrome. Also called: Tumor predisposition; Hereditary neoplastic syndrome; Hereditary Cancer Syndrome; Neoplastic Syndromes, Hereditary. Identifiers: Orphanet 140162, MedGen C0027672, MeSH D009386, MONDO:0015356.
Tuberous sclerosis syndrome (TSC). Also called: Tuberous Sclerosis Complex; Tuberous sclerosis. Identifiers: Orphanet 805, MedGen C0041341, MONDO:0001734.
Tuberous sclerosis 2 (TSC2). Identifiers: Orphanet 805, MedGen C1860707, MONDO:0013199, OMIM 613254.

Allele frequency attached by ClinVar (database versions not stated): ExAC 0.00001; gnomAD 0.00001 and 0.00003; gnomAD exomes 0.00001; TOPMed 0.00003; 1000 Genomes Project 0.00020; 1000 Genomes Project 30x 0.00031.

Submissions (8):

Labcorp Genetics (formerly Invitae), Labcorp
Classification: Likely benign for Tuberous sclerosis 2. Last evaluated: 2026-01-26. Review status: criteria provided, single submitter. Criteria: Invitae Variant Classification Sherloc (09022015). Collection method: clinical testing. Allele origin: germline.

Myriad Genetics, Inc.
Classification: Benign for Tuberous sclerosis 2. Last evaluated: 2025-06-03. Review status: criteria provided, single submitter. Criteria: Myriad Autosomal Dominant, Autosomal Recessive and X-Linked Classification Criteria (2023). Collection method: clinical testing. Allele origin: unknown.
Comment: This variant is considered benign. This variant is a silent/synonymous amino acid change and it is not expected to impact splicing.

All of Us Research Program, National Institutes of Health
Classification: Likely benign for Tuberous sclerosis syndrome. Last evaluated: 2023-12-01. Review status: criteria provided, single submitter. Criteria: ACMG Guidelines, 2015. Collection method: clinical testing. Allele origin: germline. Inheritance: Autosomal dominant inheritance. Observed: 6 variant alleles, 6 heterozygotes.
Comment: This study involves interpretation of variants in research participants for the purpose of population health screening. Participant phenotype was not available at the time of variant classification. Additional details can be found in publication PMID: 35346344, PMCID: PMC8962531

CeGaT Center for Human Genetics Tuebingen
Classification: Likely benign. Last evaluated: 2022-05-01. Review status: criteria provided, single submitter. Criteria: CeGaT Center For Human Genetics Tuebingen Variant Classification Criteria Version 2. Collection method: clinical testing. Allele origin: germline. Affected: yes. Observed: 1 variant allele.
Comment: TSC2: BP7

Genome-Nilou Lab
Classification: Benign for Tuberous sclerosis 2. Last evaluated: 2021-11-07. Review status: criteria provided, single submitter. Criteria: ACMG Guidelines, 2015. Collection method: clinical testing. Allele origin: germline. Affected: no.

Sema4
Classification: Likely benign for Hereditary cancer-predisposing syndrome. Last evaluated: 2021-07-21. Review status: criteria provided, single submitter. Criteria: Sema4 Curation Guidelines. Collection method: curation. Allele origin: germline.

Ambry Genetics
Classification: Likely benign for Hereditary cancer-predisposing syndrome. Last evaluated: 2020-08-21. Review status: criteria provided, single submitter. Criteria: Ambry Variant Classification Scheme 2023. Collection method: clinical testing. Allele origin: germline.

GeneDx
Classification: Likely benign. Last evaluated: 2018-01-17. Review status: criteria provided, single submitter. Criteria: GeneDx Variant Classification (06012015). Collection method: clinical testing. Allele origin: germline. Affected: yes.
Comment: This variant is considered likely benign or benign based on one or more of the following criteria: it is a conservative change, it occurs at a poorly conserved position in the protein, it is predicted to be benign by multiple in silico algorithms, and/or has population frequency not consistent with disease.

NM_000548.5(TSC2):c.4323C>T (p.Pro1441=)

Gene: TSC2 (TSC complex subunit 2; plus strand). Cytogenetic location: 16p13.3.
Variant type: single nucleotide variant.
Coding change: c.4323C>T on transcript NM_000548.5 (MANE Select); coding-DNA position 4323, C replaced by T.
Protein change: p.Pro1441=; no amino-acid change (proline 1441 retained).
Molecular consequence: synonymous variant.
Genome position (GRCh38, 1-based): chr16:2,084,545, C>T. VCF-style: chr16-2084545-C-T. GRCh37 (hg19) VCF-style: chr16-2134546-C-T.
Other names: c.4122C>T, p.Pro1374= (NM_001077183.3); c.4254C>T, p.Pro1418= (NM_001114382.3); c.4014C>T, p.Pro1338= (NM_001318827.2); c.3978C>T, p.Pro1326= (NM_001318829.2); c.3591C>T, p.Pro1197= (NM_001318831.2); c.4155C>T, p.Pro1385= (NM_001318832.2); c.4125C>T, p.Pro1375= (NM_001363528.2); c.4191C>T, p.Pro1397= (NM_001370404.1); and 1 more.
Identifiers: ClinVar variation 413743 (VCV000413743.43), dbSNP rs536527623, ClinGen allele CA050858.